The following is an entry in ClinVar:

NM_000214.3(JAG1):c.559T>C (p.Cys187Arg)

Gene: JAG1 (jagged canonical Notch ligand 1; minus strand). Cytogenetic location: 20p12.2.
Variant type: single nucleotide variant.
Coding change: c.559T>C on transcript NM_000214.3 (MANE Select); coding-DNA position 559, T replaced by C.
Protein change: p.Cys187Arg; replaces cysteine 187 with arginine.
Molecular consequence: missense variant.
Genome position (GRCh38, 1-based): chr20:10,658,603, A>G on the plus strand (T>C on the coding strand, the complement: JAG1 is on the minus strand). VCF-style: chr20-10658603-A-G. GRCh37 (hg19) VCF-style: chr20-10639251-A-G.
Other names: short protein forms C187R.
Identifiers: ClinVar variation 2584992 (VCV002584992.1), dbSNP rs2514526553, ClinGen allele CA408240274.
Genomic context (GRCh38, chr20:10,658,603, plus strand): 5'-AGAAGTCATCTCTGGGGCGGCAGAACTTATTGCAGCCAAAGCCATAGTAGTAGTCATCAC[A>G]GGTCACGCGGATCTGATACTCAAAGTGGGCAACGCCCGTGTTCTGCTTCAGCGTCTGCCA-3'
Protein context (NP_000205.1, residues 177-197): AHFEYQIRVT[Cys187Arg]DDYYYGFGCN

ClinVar aggregate classification (germline): Uncertain significance (1 of 4 stars; one submission).

Conditions:
Alagille syndrome due to a JAG1 point mutation. Also called: HEPATIC DUCTULAR HYPOPLASIA, SYNDROMATIC; JAG1-Related Alagille Syndrome; Alagille Syndrome 1. Identifiers: Orphanet 261619, Orphanet 52, MedGen C1956125, MONDO:0016862, OMIM 118450.

Submission:

Neuberg Centre For Genomic Medicine, NCGM
Classification: Uncertain significance for Alagille syndrome due to a JAG1 point mutation. Review status: criteria provided, single submitter. Criteria: ACMG Guidelines, 2015. Collection method: clinical testing. Allele origin: germline. Inheritance: Autosomal dominant inheritance. Affected: yes.
Comment: The missense variant c.559T>C (p.Cys187Arg) in JAG1 gene has not been reported previously as a pathogenic variant nor as a benign variant, to our knowledge. The variant is novel (not in any individuals) in gnomAD Exomes and 1000 Genomes. The amino acid Cysteine at position 187 is changed to a Arginine changing protein sequence and it might alter its composition and physico-chemical properties. The variant is predicted as conserved by GERP++ and PhyloP across 100 vertebrates. For these reasons, this variant has been classified as Uncertain Significance.